The following is an entry in ClinVar:

NM_144599.5(NIPA1):c.24GGC[6] (p.Ala15_Ala16del)

Genes: NIPA1 (NIPA magnesium transporter 1; plus strand), LOC130056709 (ATAC-STARR-seq lymphoblastoid silent region 6259; plus strand). Cytogenetic location: 15q11.2.
Variant type: Microsatellite.
Coding change: c.24GGC[6] on transcript NM_144599.5 (MANE Select); six copies in a row of the 3-base unit GGC starting at c.24; the reference has eight copies in a row; two copies, 6 bases deleted; also written c.42_47del.
Protein change: p.Ala15_Ala16del.
Molecular consequence: inframe deletion. On other transcripts: intron variant (1).
Genome position (GRCh38, 1-based): chr15:22,786,698-22,786,703, GGCGGC deleted; deleting any 6 consecutive bases within chr15:22,786,678-22,786,703 gives the same sequence; the position shown is the placement nearest the transcript's 3' end. VCF-style (leftmost placement, unchanged base first): chr15-22786677-AGCGGCG-A. GRCh37 (hg19) VCF-style: chr15-23086364-GGCCGCC-G.
Other names: p.Ala15_Ala16del; c.-48+430GCG[6] (NM_001142275.1); c.42_47del (NM_144599.4, NM_144599.5).
Identifiers: ClinVar variation 412532 (VCV000412532.43), dbSNP rs531550505, ClinGen allele CA16614576.

ClinVar aggregate classification (germline): Benign/Likely benign. Review status: criteria provided, multiple submitters, no conflicts (2 of 4 stars). 7 submissions from 7 submitters: Benign (1); Likely benign (5). 1 of the submissions does not count toward it. Last evaluated 2026-06-01.

Conditions:
NIPA1-related disorder. Also called: NIPA1-related condition.
Hereditary spastic paraplegia 6 (SPG6). Also called: SPASTIC PARAPLEGIA 6, AUTOSOMAL DOMINANT. Identifiers: Orphanet 100988, MedGen C1838192, MONDO:0010878, OMIM 600363.

Submissions (7):

CeGaT Center for Human Genetics Tuebingen
Classification: Likely benign. Last evaluated: 2026-06-01. Review status: criteria provided, single submitter. Criteria: CeGaT Center For Human Genetics Tuebingen Variant Classification Criteria Version 2. Collection method: clinical testing. Allele origin: germline. Affected: yes. Observed: 3 variant alleles.
Comment: NIPA1: BS1

Labcorp Genetics (formerly Invitae), Labcorp
Classification: Likely benign for Hereditary spastic paraplegia 6. Last evaluated: 2025-12-27. Review status: criteria provided, single submitter. Criteria: Invitae Variant Classification Sherloc (09022015). Collection method: clinical testing. Allele origin: germline.

Blueprint Genetics
Classification: Likely benign. Last evaluated: 2024-11-25. Review status: criteria provided, single submitter. Criteria: ACMG Guidelines, 2015. Collection method: clinical testing. Allele origin: germline.

GeneDx
Classification: Likely benign. Last evaluated: 2022-12-07. Review status: criteria provided, single submitter. Criteria: GeneDx Variant Classification Process June 2021. Collection method: clinical testing. Allele origin: germline. Affected: yes.
Comment: See Variant Classification Assertion Criteria.

Mayo Clinic Laboratories, Mayo Clinic
Classification: Benign. Last evaluated: 2018-12-27. Review status: criteria provided, single submitter. Criteria: ACMG Guidelines, 2015. Collection method: clinical testing. Allele origin: germline. Observed: 4 variant alleles.

Eurofins Ntd Llc (ga)
Classification: Likely benign. Last evaluated: 2018-05-01. Review status: criteria provided, single submitter. Criteria: EGL ClinVar v180209 classification definitions. Collection method: clinical testing. Allele origin: germline.

PreventionGenetics, part of Exact Sciences
Classification: Benign for NIPA1-related condition. Last evaluated: 2024-09-04. Review status: no assertion criteria provided. Collection method: clinical testing. Allele origin: germline. Not counted in ClinVar's aggregate classification.
Comment: This variant is classified as benign based on ACMG/AMP sequence variant interpretation guidelines (Richards et al. 2015 PMID: 25741868, with internal and published modifications).